The following is an entry in ClinVar:

NM_198129.4(LAMA3):c.4544G>A (p.Ser1515Asn)

Gene: LAMA3 (laminin subunit alpha 3; plus strand). Cytogenetic location: 18q11.2.
Variant type: single nucleotide variant.
Coding change: c.4544G>A on transcript NM_198129.4 (MANE Select); coding-DNA position 4544, G replaced by A.
Protein change: p.Ser1515Asn; replaces serine 1515 with asparagine.
Molecular consequence: missense variant.
Genome position (GRCh38, 1-based): chr18:23,861,767, G>A. VCF-style: chr18-23861767-G-A. GRCh37 (hg19) VCF-style: chr18-21441731-G-A.
Other names: c.4544G>A, p.Ser1515Asn (NM_001127717.4); short protein forms S1515N.
Identifiers: ClinVar variation 4985604 (VCV004985604.1).
Genomic context (GRCh38, chr18:23,861,767, plus strand): 5'-TCAACCCAGGCAGCAACAGTATGGTGGCGGATCTCCAGGAGCTGCCCGCAACCATCCACA[G>A]CGCGTCCTGGGTCGCACCCACCTCCTACCTGGGGGACAAGGTAATGATGTCCTGCTGTTC-3'
Protein context (NP_937762.2, residues 1505-1525): DLQELPATIH[Ser1515Asn]ASWVAPTSYL

ClinVar aggregate classification (germline): Likely benign (1 of 4 stars; one submission).

Conditions:
LAMA3-related disorder. Also called: LAMA3-related disorders; LAMA3-related condition.

gnomAD v4.1: 159 of 1,613,786 alleles (0.0099%); highest among the groups gnomAD compares: African/African-American, 0.2%; 1 homozygote.

Submission:

PreventionGenetics, part of Exact Sciences
Classification: Likely benign for LAMA3-related condition. Last evaluated: 2026-02-22. Review status: criteria provided, single submitter. Criteria: ACMG Guidelines, 2015. Collection method: clinical testing. Allele origin: germline.
Comment: This variant is classified as likely benign based on ACMG/AMP sequence variant interpretation guidelines (Richards et al. 2015 PMID: 25741868, with internal and published modifications).